The following is an entry in ClinVar:

ClinVar aggregate classification (germline): Benign. Review status: criteria provided, multiple submitters, no conflicts (2 of 4 stars). 2 submissions from 2 submitters: Benign (2). Last evaluated 2018-01-12.

Conditions:
Hypogonadotropic hypogonadism 5 with or without anosmia (KAL5). Also called: HYPOGONADOTROPIC HYPOGONADISM 5 WITH ANOSMIA; HYPOGONADOTROPHIC HYPOGONADISM 5 WITHOUT ANOSMIA; CHD7-Related GnRH Deficiency (Kallmann Syndrome 5). Identifiers: Orphanet 478, MedGen C3552553, MONDO:0012880, OMIM 612370. Disease mechanism: loss of function.

Allele frequency attached by ClinVar (database versions not stated): TOPMed 0.10487; 1000 Genomes Project 30x 0.12711; 1000 Genomes Project 0.13339; gnomAD exomes 0.16730.
gnomAD v4.1: 17,033 of 150,674 alleles (11%); highest among the groups gnomAD compares: East Asian, 31%; 1,329 homozygotes.

Submissions (2):

Illumina Laboratory Services, Illumina
Classification: Benign for Kallmann Syndrome 5. Last evaluated: 2018-01-12. Review status: criteria provided, single submitter. Criteria: ICSL Variant Classification Criteria 13 December 2019. Collection method: clinical testing. Allele origin: germline.
Comment: This variant was observed in the ICSL laboratory as part of a predisposition screen in an ostensibly healthy population. It had not been previously curated by ICSL or reported in the Human Gene Mutation Database (HGMD: prior to June 1st, 2018), and was therefore a candidate for classification through an automated scoring system. Utilizing variant allele frequency, disease prevalence and penetrance estimates, and inheritance mode, an automated score was calculated to assess if this variant is too frequent to cause the disease. Based on the score and internal cut-off values, a variant classified as benign is not then subjected to further curation. The score for this variant resulted in a classification of benign for this disease.

Breakthrough Genomics
Classification: Benign. Review status: criteria provided, single submitter. Criteria: ACMG Guidelines, 2015. Collection method: not provided. Allele origin: germline. Inheritance: Autosomal dominant inheritance. Affected: yes.

NM_017780.4(CHD7):c.-380C>T

Gene: CHD7 (chromodomain helicase DNA binding protein 7; plus strand). Cytogenetic location: 8q12.2.
Variant type: single nucleotide variant.
Coding change: c.-380C>T on transcript NM_017780.4 (MANE Select); 380 bases upstream of the start codon, C replaced by T.
Molecular consequence: 5 prime UTR variant.
Genome position (GRCh38, 1-based): chr8:60,678,877, C>T. VCF-style: chr8-60678877-C-T. GRCh37 (hg19) VCF-style: chr8-61591436-C-T.
Identifiers: ClinVar variation 363434 (VCV000363434.6), dbSNP rs113958504, ClinGen allele CA10625667.